The following is an entry in ClinVar:

NM_001395656.1(ROBO2):c.3295C>A (p.Gln1099Lys)

Gene: ROBO2 (roundabout guidance receptor 2; plus strand). Cytogenetic location: 3p12.3.
Variant type: single nucleotide variant.
Coding change: c.3295C>A on transcript NM_001395656.1 (MANE Select); coding-DNA position 3295, C replaced by A.
Protein change: p.Gln1099Lys; replaces glutamine 1099 with lysine.
Molecular consequence: missense variant.
Genome position (GRCh38, 1-based): chr3:77,607,944, C>A. VCF-style: chr3-77607944-C-A. GRCh37 (hg19) VCF-style: chr3-77657095-C-A.
Other names: c.3331C>A, p.Gln1111Lys (NM_001128929.3); c.3295C>A, p.Gln1099Lys (NM_001290039.2, NM_001290040.2); c.1504C>A, p.Gln502Lys (NM_001290065.2); c.3343C>A, p.Gln1115Lys (NM_001378190.1, NM_001378200.1, NM_001378201.1 and 1 more transcripts); c.3469C>A, p.Gln1157Lys (NM_001378191.1, NM_001378195.1, NM_001378196.1); c.3364C>A, p.Gln1122Lys (NM_001378192.1, NM_001378198.1, NM_001378199.1); c.3283C>A, p.Gln1095Lys (NM_001378193.1, NM_002942.5); c.3481C>A, p.Gln1161Lys (NM_001378194.1); and 5 more; short protein forms Q1095K, Q1096K, Q1157K, Q1164K, Q1115K, Q1118K, Q1161K, Q502K.
Identifiers: ClinVar variation 4055877 (VCV004055877.1).
Genomic context (GRCh38, chr3:77,607,944, plus strand): 5'-CCTCCCCCCCCAGTCCAGCCCCTTCCTGGCACGGAGCTGGAACACTATGCAGTGGAACAA[C>A]AAGAAAATGGGTAAAGATATTTTATATACTAGCAAAATGGCCAGGGCTCTCCTCTCCTCT-3'
Protein context (NP_001382585.1, residues 1089-1109): TELEHYAVEQ[Gln1099Lys]ENGYDSDSWC

ClinVar aggregate classification (germline): Uncertain significance (1 of 4 stars; one submission).

gnomAD v4.1: 1 of 1,613,744 alleles (0.000062%); highest among the groups gnomAD compares: African/African-American, 0.0013%; no homozygotes.

Submission:

GeneDx
Classification: Uncertain significance. Last evaluated: 2025-01-03. Review status: criteria provided, single submitter. Criteria: GeneDx Variant Classification Process June 2021. Collection method: clinical testing. Allele origin: germline. Affected: yes.
Comment: Not observed at significant frequency in large population cohorts (gnomAD); In silico analysis indicates that this missense variant does not alter protein structure/function; Has not been previously published as pathogenic or benign to our knowledge